The following is an entry in ClinVar:

ClinVar aggregate classification (germline): Uncertain significance (1 of 4 stars; one submission).

Conditions:
Hereditary spastic paraplegia 53. Also called: Spastic paraplegia 53, autosomal recessive. Identifiers: Orphanet 319199, MedGen C3539494, MONDO:0013962, OMIM 614898.

gnomAD v4.1: 23 of 1,571,482 alleles (0.0015%); highest among the groups gnomAD compares: Admixed American, 0.0018%; no homozygotes.

Submission:

Labcorp Genetics (formerly Invitae), Labcorp
Classification: Uncertain significance for Hereditary spastic paraplegia 53. Last evaluated: 2025-08-21. Review status: criteria provided, single submitter. Criteria: Invitae Variant Classification Sherloc (09022015). Collection method: clinical testing. Allele origin: germline.
Comment: This sequence change replaces proline, which is neutral and non-polar, with serine, which is neutral and polar, at codon 6 of the VPS37A protein (p.Pro6Ser). The frequency data for this variant in the population databases is considered unreliable, as metrics indicate poor data quality at this position in the gnomAD database. This variant has not been reported in the literature in individuals affected with VPS37A-related conditions. An algorithm developed to predict the effect of missense changes on protein structure and function (PolyPhen-2) suggests that this variant is likely to be disruptive. In summary, the available evidence is currently insufficient to determine the role of this variant in disease. Therefore, it has been classified as a Variant of Uncertain Significance.

NM_152415.3(VPS37A):c.16C>T (p.Pro6Ser)

Gene: VPS37A (VPS37A subunit of ESCRT-I; plus strand). Cytogenetic location: 8p22.
Variant type: single nucleotide variant.
Coding change: c.16C>T on transcript NM_152415.3 (MANE Select); coding-DNA position 16, C replaced by T.
Protein change: p.Pro6Ser; replaces proline 6 with serine.
Molecular consequence: missense variant. On other transcripts: 5 prime UTR variant (5).
Genome position (GRCh38, 1-based): chr8:17,247,260, C>T. VCF-style: chr8-17247260-C-T. GRCh37 (hg19) VCF-style: chr8-17104769-C-T.
Other names: c.16C>T, p.Pro6Ser (NM_001145152.2, NM_001363167.1, NM_001363173.2); c.-300C>T (NM_001363168.1, NM_001363170.1, NM_001363172.2); c.-250C>T (NM_001363169.1, NM_001363171.1); short protein forms P6S.
Identifiers: ClinVar variation 4739155 (VCV004739155.1).